The following is an entry in ClinVar:

NM_004415.4(DSP):c.4445A>C (p.Glu1482Ala)

Gene: DSP (desmoplakin; plus strand). Cytogenetic location: 6p24.3.
Variant type: single nucleotide variant.
Coding change: c.4445A>C on transcript NM_004415.4 (MANE Select); coding-DNA position 4445, A replaced by C.
Protein change: p.Glu1482Ala; replaces glutamic acid 1482 with alanine.
Molecular consequence: missense variant. On other transcripts: intron variant (2).
Genome position (GRCh38, 1-based): chr6:7,580,635, A>C. VCF-style: chr6-7580635-A-C. GRCh37 (hg19) VCF-style: chr6-7580868-A-C.
Other names: c.4050+395A>C (NM_001319034.2); c.3582+863A>C (NM_001008844.3); short protein forms E1482A.
Identifiers: ClinVar variation 2939120 (VCV002939120.3), dbSNP rs2533928712, ClinGen allele CA362686329.
Genomic context (GRCh38, chr6:7,580,635, plus strand): 5'-GCGTAAGATATAAGCAATCTCTTGATGATGCTGCCAAAACCATCCAGGATAAAAACAAGG[A>C]GATAGAAAGGTTAAAACAACTGATCGACAAAGAAACAAATGACCGGAAATGCCTGGAAGA-3'
Protein context (NP_004406.2, residues 1472-1492): AAKTIQDKNK[Glu1482Ala]IERLKQLIDK

ClinVar aggregate classification (germline): Uncertain significance (1 of 4 stars; one submission).

Conditions:
Arrhythmogenic right ventricular dysplasia 8 (ARVD8). Also called: Arrhythmogenic Right Ventricular Dysplasia/Cardiomyopathy 8; ARRHYTHMOGENIC RIGHT VENTRICULAR DYSPLASIA, FAMILIAL, 8; ARRHYTHMOGENIC RIGHT VENTRICULAR CARDIOMYOPATHY 8. Identifiers: MedGen C1843896, MONDO:0011831, OMIM 607450.
Arrhythmogenic cardiomyopathy with wooly hair and keratoderma. Also called: PALMOPLANTAR KERATODERMA WITH LEFT VENTRICULAR CARDIOMYOPATHY AND WOOLLY HAIR; Carvajal syndrome; Dilated cardiomyopathy with woolly hair and keratoderma; Arrhythmogenic cardiomyopathy with woolly hair and keratoderma. Identifiers: Orphanet 65282, MedGen C1854063, MONDO:0011581, OMIM 605676.

Submission:

Labcorp Genetics (formerly Invitae), Labcorp
Classification: Uncertain significance for Arrhythmogenic cardiomyopathy with wooly hair and keratoderma; Arrhythmogenic right ventricular dysplasia 8. Last evaluated: 2023-09-27. Review status: criteria provided, single submitter. Criteria: Invitae Variant Classification Sherloc (09022015). Collection method: clinical testing. Allele origin: germline.
Comment: In summary, the available evidence is currently insufficient to determine the role of this variant in disease. Therefore, it has been classified as a Variant of Uncertain Significance. An algorithm developed to predict the effect of missense changes on protein structure and function (PolyPhen-2) suggests that this variant is likely to be tolerated. This variant has not been reported in the literature in individuals affected with DSP-related conditions. This variant is not present in population databases (gnomAD no frequency). This sequence change replaces glutamic acid, which is acidic and polar, with alanine, which is neutral and non-polar, at codon 1482 of the DSP protein (p.Glu1482Ala).